The following is an entry in ClinVar:

ClinVar aggregate classification (germline): Pathogenic (0 of 4 stars; one submission).

Conditions:
Epilepsy. Also called: Seizure disorder. Identifiers: MedGen C0014544, MeSH D004827, MONDO:0005027.
Intellectual disability. Also called: Intellectual functioning disability; Intellectual developmental disorder; intellectual disabilities. Identifiers: MedGen C3714756, MeSH D008607, MONDO:0001071, HP:0001249.

Submission:

Institute of Human Genetics, University of Leipzig Medical Center
Classification: Pathogenic for Intellectual disability; Epilepsy. Last evaluated: 2021-02-25. Review status: no assertion criteria provided. Collection method: clinical testing. Allele origin: de novo. Inheritance: Autosomal dominant inheritance. Affected: yes. Observed: 1 variant allele, 1 heterozygote.
Comment: Inheritance was de novo (heterozygous). The variant was reviewed according to current ClinGen recommendations and classified as Pathogenic (criteria: 1A(0), 2A(1), 3C(0.9), 4B(0.3), 5A(0.3), Total score=2.5).

Single allele

Genes: CLIC3 (CLIC family member 3; minus strand), CYSRT1 (cysteine rich tail 1; plus strand), LINC02908 (long independently transcribed non-coding RNA 2908; plus strand), LRRC26 (leucine rich repeat containing 26; minus strand), DPH7 (diphthamide biosynthesis 7; minus strand) and 42 more. Cytogenetic location: 9q34.3.
Variant type: Deletion.
Identifiers: ClinVar variation 997822 (VCV000997822.1).